The following is an entry in ClinVar:

NM_000258.3(MYL3):c.539A>G (p.Asn180Ser)

Gene: MYL3 (myosin light chain 3; minus strand). Cytogenetic location: 3p21.31.
Variant type: single nucleotide variant.
Coding change: c.539A>G on transcript NM_000258.3 (MANE Select); coding-DNA position 539, A replaced by G.
Protein change: p.Asn180Ser; replaces asparagine 180 with serine.
Molecular consequence: missense variant.
Genome position (GRCh38, 1-based): chr3:46,858,404, T>C on the plus strand (A>G on the coding strand, the complement: MYL3 is on the minus strand). VCF-style: chr3-46858404-T-C. GRCh37 (hg19) VCF-style: chr3-46899894-T-C.
Other names: short protein forms N180S.
Identifiers: ClinVar variation 650016 (VCV000650016.13), dbSNP rs1575497410, ClinGen allele CA352495346.

ClinVar aggregate classification (germline): Uncertain significance. Review status: criteria provided, multiple submitters, no conflicts (2 of 4 stars). 3 submissions from 3 submitters: Uncertain significance (3). Last evaluated 2025-06-18.

Conditions:
Cardiomyopathy (CMYO). Also called: Cardiomyopathies. Identifiers: Orphanet 167848, MedGen C0878544, MONDO:0004994, HP:0001638. Inheritance: Various modes of inheritance.
Hypertrophic cardiomyopathy. Also called: HYPERTROPHIC MYOCARDIOPATHY. Identifiers: Orphanet 217569, MedGen C0007194, MeSH D002312, MONDO:0005045, HP:0001639.

Allele frequency attached by ClinVar (database versions not stated): gnomAD exomes below 0.00001.
gnomAD v4.1: 2 of 1,614,048 alleles (0.00012%); highest among the groups gnomAD compares: South Asian, 0.0011%; no homozygotes.

Submissions (3):

Labcorp Genetics (formerly Invitae), Labcorp
Classification: Uncertain significance for Hypertrophic cardiomyopathy. Last evaluated: 2025-06-18. Review status: criteria provided, single submitter. Criteria: Invitae Variant Classification Sherloc (09022015). Collection method: clinical testing. Allele origin: germline.
Comment: This sequence change replaces asparagine, which is neutral and polar, with serine, which is neutral and polar, at codon 180 of the MYL3 protein (p.Asn180Ser). This variant is not present in population databases (gnomAD no frequency). This missense change has been observed in individual(s) with hypertrophic cardiomyopathy (PMID: 27532257, 37652022; internal data). ClinVar contains an entry for this variant (Variation ID: 650016). An algorithm developed to predict the effect of missense changes on protein structure and function (PolyPhen-2) suggests that this variant is likely to be tolerated. In summary, the available evidence is currently insufficient to determine the role of this variant in disease. Therefore, it has been classified as a Variant of Uncertain Significance.

Color Diagnostics, LLC DBA Color Health
Classification: Uncertain significance for Cardiomyopathy. Last evaluated: 2019-06-27. Review status: criteria provided, single submitter. Criteria: ACMG Guidelines, 2015. Collection method: clinical testing. Allele origin: germline.
Comment: This missense variant replaces asparagine with serine at codon 180 of the MYL3 protein. Computational prediction tools and conservation analyses are inconclusive regarding the impact of this variant on the protein function. Computational splicing tools suggest that this variant may not impact RNA splicing. To our knowledge, functional assays have not been performed for this variant nor has this variant been reported in individuals affected with cardiovascular disorders in the literature. This variant has not been identified in the general population by the Genome Aggregation Database (gnomAD). Available evidence is insufficient to determine the role of this variant in disease conclusively. Therefore, this variant is classified as a Variant of Uncertain Significance.

CHEO Genetics Diagnostic Laboratory, Children's Hospital of Eastern Ontario
Classification: Uncertain significance for Cardiomyopathy. Last evaluated: 2018-03-27. Review status: criteria provided, single submitter. Criteria: ACMG Guidelines, 2015. Collection method: clinical testing. Allele origin: germline.

Literature cited by the submitters: PubMed 27532257 (cited by Labcorp Genetics (formerly Invitae), Labcorp); PubMed 37652022 (cited by Labcorp Genetics (formerly Invitae), Labcorp).